The following is an entry in ClinVar:

ClinVar aggregate classification (germline): Uncertain significance (1 of 4 stars; one submission).

Allele frequency attached by ClinVar (database versions not stated): ExAC 0.00001; gnomAD exomes below 0.00001.

Submission:

Labcorp Genetics (formerly Invitae), Labcorp
Classification: Uncertain significance. Last evaluated: 2025-03-17. Review status: criteria provided, single submitter. Criteria: Invitae Variant Classification Sherloc (09022015). Collection method: clinical testing. Allele origin: germline.
Comment: This sequence change replaces glycine, which is neutral and non-polar, with serine, which is neutral and polar, at codon 775 of the LONP1 protein (p.Gly775Ser). This variant is present in population databases (rs779548920, gnomAD 0.0009%). This variant has not been reported in the literature in individuals affected with LONP1-related conditions. ClinVar contains an entry for this variant (Variation ID: 2801104). Invitae Evidence Modeling of protein sequence and biophysical properties (such as structural, functional, and spatial information, amino acid conservation, physicochemical variation, residue mobility, and thermodynamic stability) indicates that this missense variant is expected to disrupt LONP1 protein function with a positive predictive value of 95%. In summary, the available evidence is currently insufficient to determine the role of this variant in disease. Therefore, it has been classified as a Variant of Uncertain Significance.

NM_004793.4(LONP1):c.2323G>A (p.Gly775Ser)

Gene: LONP1 (lon peptidase 1, mitochondrial; minus strand). Cytogenetic location: 19p13.3.
Variant type: single nucleotide variant.
Coding change: c.2323G>A on transcript NM_004793.4 (MANE Select); coding-DNA position 2323, G replaced by A.
Protein change: p.Gly775Ser; replaces glycine 775 with serine.
Molecular consequence: missense variant. On other transcripts: non-coding transcript variant (1).
Genome position (GRCh38, 1-based): chr19:5,693,767, C>T on the plus strand (G>A on the coding strand, the complement: LONP1 is on the minus strand). VCF-style: chr19-5693767-C-T. GRCh37 (hg19) VCF-style: chr19-5693778-C-T.
Other names: c.2131G>A, p.Gly711Ser (NM_001276479.2); c.1735G>A, p.Gly579Ser (NM_001276480.1); short protein forms G711S, G775S, G579S.
Identifiers: ClinVar variation 2801104 (VCV002801104.3), dbSNP rs779548920, ClinGen allele CA9114138.